The following is an entry in ClinVar:

NM_002911.4(UPF1):c.1382A>G (p.Lys461Arg)

Gene: UPF1 (UPF1 RNA helicase and ATPase; plus strand). Cytogenetic location: 19p13.11.
Variant type: single nucleotide variant.
Coding change: c.1382A>G on transcript NM_002911.4 (MANE Select); coding-DNA position 1382, A replaced by G.
Protein change: p.Lys461Arg; replaces lysine 461 with arginine.
Molecular consequence: missense variant.
Genome position (GRCh38, 1-based): chr19:18,854,995, A>G. VCF-style: chr19-18854995-A-G. GRCh37 (hg19) VCF-style: chr19-18965804-A-G.
Other names: c.1415A>G, p.Lys472Arg (NM_001297549.2); short protein forms K461R, K472R.
Identifiers: ClinVar variation 3253414 (VCV003253414.1), dbSNP rs2512920119.

ClinVar aggregate classification (germline): Uncertain significance (1 of 4 stars; one submission).

Submission:

GeneDx
Classification: Uncertain significance. Last evaluated: 2023-12-11. Review status: criteria provided, single submitter. Criteria: GeneDx Variant Classification Process June 2021. Collection method: clinical testing. Allele origin: germline. Affected: yes.
Comment: Not observed at significant frequency in large population cohorts (gnomAD); In silico analysis supports that this missense variant does not alter protein structure/function; Has not been previously published as pathogenic or benign to our knowledge